The following is an entry in ClinVar:

NM_004793.4(LONP1):c.2154+2T>C

Gene: LONP1 (lon peptidase 1, mitochondrial; minus strand). Cytogenetic location: 19p13.3.
Variant type: single nucleotide variant.
Coding change: c.2154+2T>C on transcript NM_004793.4 (MANE Select); the canonical splice donor site of the intron after coding-DNA position 2154, T replaced by C.
Molecular consequence: splice donor variant.
Genome position (GRCh38, 1-based): chr19:5,694,759, A>G on the plus strand (T>C on the coding strand, the complement: LONP1 is on the minus strand). VCF-style: chr19-5694759-A-G. GRCh37 (hg19) VCF-style: chr19-5694770-A-G.
Other names: c.1566+2T>C (NM_001276480.1); c.1962+2T>C (NM_001276479.2).
Identifiers: ClinVar variation 3000878 (VCV003000878.3), dbSNP rs2512386644, ClinGen allele CA403527852.

ClinVar aggregate classification (germline): Likely pathogenic (1 of 4 stars; one submission).

Allele frequency attached by ClinVar (database versions not stated): gnomAD exomes below 0.00001.
gnomAD v4.1: 1 of 1,586,578 alleles (0.000063%); highest among the groups gnomAD compares: Admixed American, 0.0017%; no homozygotes.

Submission:

Labcorp Genetics (formerly Invitae), Labcorp
Classification: Likely pathogenic. Last evaluated: 2024-01-08. Review status: criteria provided, single submitter. Criteria: Invitae Variant Classification Sherloc (09022015). Collection method: clinical testing. Allele origin: germline.
Comment: This sequence change affects a donor splice site in intron 14 of the LONP1 gene. It is expected to disrupt RNA splicing. Variants that disrupt the donor or acceptor splice site typically lead to a loss of protein function (PMID: 16199547), and loss-of-function variants in LONP1 are known to be pathogenic (PMID: 25017063, 25808063, 28148925). This variant is not present in population databases (gnomAD no frequency). This variant has not been reported in the literature in individuals affected with LONP1-related conditions. Algorithms developed to predict the effect of sequence changes on RNA splicing suggest that this variant may disrupt the consensus splice site. In summary, the currently available evidence indicates that the variant is pathogenic, but additional data are needed to prove that conclusively. Therefore, this variant has been classified as Likely Pathogenic.

Literature cited by the submitters: PubMed 16199547; PubMed 25017063; PubMed 25808063; PubMed 28148925.